The following is an entry in ClinVar:

ClinVar aggregate classification (germline): Uncertain significance (1 of 4 stars; one submission).

gnomAD v4.1: 6 of 1,613,004 alleles (0.00037%); highest among the groups gnomAD compares: Admixed American, 0.0033%; no homozygotes.

Submission:

Labcorp Genetics (formerly Invitae), Labcorp
Classification: Uncertain significance. Last evaluated: 2024-05-16. Review status: criteria provided, single submitter. Criteria: Invitae Variant Classification Sherloc (09022015). Collection method: clinical testing. Allele origin: germline.
Comment: This sequence change replaces proline, which is neutral and non-polar, with leucine, which is neutral and non-polar, at codon 58 of the MAD2L2 protein (p.Pro58Leu). This variant is present in population databases (rs767807551, gnomAD 0.006%). This variant has not been reported in the literature in individuals affected with MAD2L2-related conditions. An algorithm developed to predict the effect of missense changes on protein structure and function (PolyPhen-2) suggests that this variant is likely to be disruptive. In summary, the available evidence is currently insufficient to determine the role of this variant in disease. Therefore, it has been classified as a Variant of Uncertain Significance.

NM_006341.4(MAD2L2):c.173C>T (p.Pro58Leu)

Gene: MAD2L2 (mitotic arrest deficient 2 like 2; minus strand). Cytogenetic location: 1p36.22.
Variant type: single nucleotide variant.
Coding change: c.173C>T on transcript NM_006341.4 (MANE Select); coding-DNA position 173, C replaced by T.
Protein change: p.Pro58Leu; replaces proline 58 with leucine.
Molecular consequence: missense variant.
Genome position (GRCh38, 1-based): chr1:11,677,601, G>A on the plus strand (C>T on the coding strand, the complement: MAD2L2 is on the minus strand). VCF-style: chr1-11677601-G-A. GRCh37 (hg19) VCF-style: chr1-11737658-G-A.
Other names: c.173C>T, p.Pro58Leu (NM_001127325.2); short protein forms P58L.
Identifiers: ClinVar variation 3711074 (VCV003711074.2).
Genomic context (GRCh38, chr1:11,677,601, plus strand): 5'-ACCTTCTCCAGGAGTGGCTTGACGCAGTGCAGCGTGTCCTGGATATACTGATTCAGCTCC[G>A]GGTGGCAGGACATCTGCACACAATACCATGCGGCTCGTGAGGCCCAAAGCACAGATGGGG-3'
Protein context (NP_006332.3, residues 48-68): YNVPVQMSCH[Pro58Leu]ELNQYIQDTL